The following is an entry in ClinVar:

NM_001003699.4(RREB1):c.3474dup (p.Met1159fs)

Gene: RREB1 (ras responsive element binding protein 1; plus strand). Cytogenetic location: 6p24.3.
Variant type: Duplication.
Coding change: c.3474dup on transcript NM_001003699.4 (MANE Select); coding-DNA position 3474, one base duplicated (G; older notation c.3474dupG).
Protein change: p.Met1159fs; shifts the reading frame from methionine 1159.
Molecular consequence: frameshift variant.
Genome position (GRCh38, 1-based): chr6:7,231,573, G duplicated; the last of 5 consecutive G bases (chr6:7,231,569-7,231,573); duplicating any one gives the same sequence. VCF-style (leftmost placement, unchanged base first): chr6-7231568-A-AG. GRCh37 (hg19) VCF-style: chr6-7231801-A-AG.
Other names: c.3474dup, p.Met1159fs (NM_001003698.4, NM_001003700.2, NM_001168344.2); short protein forms M1159fs.
Identifiers: ClinVar variation 5028442 (VCV005028442.1).

ClinVar aggregate classification (germline): Pathogenic (1 of 4 stars; one submission).

Submission:

Ambry Genetics
Classification: Pathogenic. Last evaluated: 2026-07-07. Review status: criteria provided, single submitter. Criteria: Ambry Variant Classification Scheme 2023. Collection method: clinical testing. Allele origin: germline.
Comment: The c.3474dupG alteration, located in exon 10 (coding exon 7) of the RREB1 gene, consists of a duplication of G at position 3474, causing a translational frameshift with a predicted alternate stop codon after amino acids. This variant is expected to result in loss of function by premature protein truncation or nonsense-mediated mRNA decay. This variant was not reported in population-based cohorts in the Genome Aggregation Database (gnomAD). Based on the available evidence, this alteration is classified as pathogenic.